The following is an entry in ClinVar:

NM_001009944.3(PKD1):c.1831C>T (p.Arg611Trp)

Gene: PKD1 (polycystin 1, transient receptor potential channel interacting; minus strand). Cytogenetic location: 16p13.3.
Variant type: single nucleotide variant.
Coding change: c.1831C>T on transcript NM_001009944.3 (MANE Select); coding-DNA position 1831, C replaced by T.
Protein change: p.Arg611Trp; replaces arginine 611 with tryptophan.
Molecular consequence: missense variant.
Genome position (GRCh38, 1-based): chr16:2,116,010, G>A on the plus strand (C>T on the coding strand, the complement: PKD1 is on the minus strand). VCF-style: chr16-2116010-G-A. GRCh37 (hg19) VCF-style: chr16-2166011-G-A.
Other names: c.1831C>T, p.Arg611Trp (NM_000296.4); short protein forms R611W.
Identifiers: ClinVar variation 433949 (VCV000433949.29), dbSNP rs1555458413, ClinGen allele CA394391007.

ClinVar aggregate classification (germline): Conflicting classifications of pathogenicity. Review status: criteria provided, conflicting classifications (1 of 4 stars). 14 submissions from 14 submitters: Pathogenic (4); Likely pathogenic (5); Uncertain significance (4). 1 of the submissions does not count toward it. Last evaluated 2026-09-01.

Conditions:
Inborn genetic diseases. Identifiers: MedGen C0950123, MeSH D030342.
Polycystic kidney disease, adult type (PKD1). Also called: Polycystic Kidney, Autosomal Dominant; POLYCYSTIC KIDNEY DISEASE, ADULT, TYPE I; POLYCYSTIC KIDNEY DISEASE 1 WITH OR WITHOUT POLYCYSTIC LIVER DISEASE; Polycystic Kidney Disease 1, Autosomal Dominant; Polycystic kidney disease 1; Polycystic kidney disease 1, severe. Identifiers: MedGen C3149841, MONDO:0008263, OMIM 173900.
PKD1-related disorder. Also called: PKD1-related condition.
Polycystic kidney disease. Also called: Polycystic kidney dysplasia; Kidney, Polycystic. Identifiers: MedGen C0022680, MeSH D007690, MONDO:0020642, HP:0000113.

Submissions (14):

CeGaT Center for Human Genetics Tuebingen
Classification: Likely pathogenic. Last evaluated: 2026-09-01. Review status: criteria provided, single submitter. Criteria: CeGaT Center For Human Genetics Tuebingen Variant Classification Criteria Version 2. Collection method: clinical testing. Allele origin: germline. Affected: yes. Observed: 1 variant allele.
Comment: PKD1: PS4, PM2, PP1, PP4, BP4

PreventionGenetics, part of Exact Sciences
Classification: Pathogenic for PKD1-related condition. Last evaluated: 2026-07-29. Review status: criteria provided, single submitter. Criteria: ACMG Guidelines, 2015. Collection method: clinical testing. Allele origin: germline.
Comment: The PKD1 c.1831C>T variant is predicted to result in the amino acid substitution p.Arg611Trp. This variant has been widely reported in presumably unrelated individuals with autosomal dominant polycystic kidney disease (ADPKD) (see for example, Suppl. Table 3, Benson et al. 2021. PubMed ID: 33454723; Trujillano et al. 2014. PubMed ID: 25333066; Garcia-Gonzalez et al. 2007. PubMed ID: 17574468; Audrézet et al. 2012. PubMed ID: 22508176). In addition, at PreventionGenetics, we have found this variant in presumably unrelated individuals tested for polycystic kidney disease. Of note, a different substitution at the same codon, defined as c.1832G>C (p.Arg611Pro), has also been reported in an individual with ADPKD (Supplementary Table 3, Mantovani et al. 2020. PubMed ID: 32457805). The c.1831C>T (p.Arg611Trp) variant has not been reported in a large population database (gnomAD), indicating this variant is rare. This variant is interpreted as pathogenic.

Victorian Clinical Genetics Services, Murdoch Childrens Research Institute
Classification: Pathogenic for Polycystic kidney disease, adult type. Last evaluated: 2026-02-03. Review status: criteria provided, single submitter. Criteria: ACMG Guidelines, 2015. Collection method: clinical testing. Allele origin: germline. Affected: yes.
Comment: This variant is classified as Pathogenic. Evidence in support of pathogenic classification: Variant is absent from gnomAD (v2, v3 and v4); This variant has strong previous evidence of pathogenicity in unrelated individuals. This variant has been classified as pathogenic, likely pathogenic or VUS by multiple clinical laboratories in ClinVar. This variant has also been reported in the literature in multiple unrelated heterozygous individuals with ADPKD, as well as one individual with a second variant in PKD1 (LOVD, PMID: 22508176, 17574468, 36833371, 25333066). This variant has also been classified as likely pathogenic by the PKD database. Additional information: Variant is predicted to result in a missense amino acid change from arginine to tryptophan; This variant is heterozygous; This gene is associated with autosomal dominant disease. Polycystic kidney disease 1 (MIM#173900) is predominantly caused by monoallelic variants, with rare reports of biallelic variants causing disease (OMIM); Variant is not located in an established domain, motif, hotspot or informative constraint region; Missense variant with conflicting in silico predictions and uninformative conservation; Loss of function is a known mechanism of disease in this gene and is associated with polycystic kidney disease 1 (MIM#173900); Inheritance information for this variant is not currently available in this individual.

Institute of Immunology and Genetics Kaiserslautern
Classification: Likely pathogenic for Polycystic kidney disease, adult type. Last evaluated: 2025-06-30. Review status: criteria provided, single submitter. Criteria: ACMG Guidelines, 2015. Collection method: clinical testing. Allele origin: germline. Affected: yes.
Comment: ACMG Criteria: PS4_M, PM2_P, PP1; PP4, PP5; Variant was found in heterozygous state.

Women's Health and Genetics/Laboratory Corporation of America, LabCorp
Classification: Pathogenic for Polycystic kidney disease, adult type. Last evaluated: 2025-03-14. Review status: criteria provided, single submitter. Criteria: LabCorp Variant Classification Summary - May 2015. Collection method: clinical testing. Allele origin: germline.
Comment: Variant summary: PKD1 c.1831C>T (p.Arg611Trp) results in a non-conservative amino acid change in the encoded protein sequence. Four of five in-silico tools predict a damaging effect of the variant on protein function. The variant was absent in 153176 control chromosomes (gnomAD). c.1831C>T has been reported in the literature in multiple individuals affected with Polycystic Kidney Disease 1 (e.g. Cornec-LeGall_2013, Pandita_2019, Benson_2021). These data indicate that the variant is very likely to be associated with disease. The following publications have been ascertained in the context of this evaluation (PMID: 17574468, 23431072, 30816285, 33454723). ClinVar contains an entry for this variant (Variation ID: 433949). Based on the evidence outlined above, the variant was classified as pathogenic.

Ambry Genetics
Classification: Uncertain significance for Inborn genetic diseases. Last evaluated: 2024-08-29. Review status: criteria provided, single submitter. Criteria: Ambry Variant Classification Scheme 2023. Collection method: clinical testing. Allele origin: germline.

GeneDx
Classification: Uncertain significance. Last evaluated: 2024-02-05. Review status: criteria provided, single submitter. Criteria: GeneDx Variant Classification Process June 2021. Collection method: clinical testing. Allele origin: germline. Affected: yes.
Comment: Not observed at significant frequency in large population cohorts (gnomAD); In silico analysis supports that this missense variant has a deleterious effect on protein structure/function; This variant is associated with the following publications: (PMID: 33532864, 17574468, 23431072, 25333066, 22508176, 30816285, Liu2023[preprint], 33454723, 33639313, 36833371, DelAguilaGarcia2023[preprint])

(GEEPAD) Grupo de Estudio de la Enfermedad Poliquística Autosómica Dominante, Hospitales Universitarios Virgen de las Nieves y San Cecilio (Granada)
Classification: Pathogenic for Polycystic kidney disease, adult type. Last evaluated: 2022-08-03. Review status: criteria provided, single submitter. Criteria: ACMG Guidelines, 2015. Collection method: clinical testing. Allele origin: germline. Affected: yes. Observed: 1 variant allele.

Blueprint Genetics
Classification: Likely pathogenic for PKD1-related disorders. Last evaluated: 2022-03-25. Review status: criteria provided, single submitter. Criteria: ACMG Guidelines, 2015. Collection method: clinical testing. Allele origin: germline. Affected: yes. Observed: 1 variant allele.

Cavalleri Lab, Royal College of Surgeons in Ireland
Classification: Uncertain significance for Polycystic kidney disease, adult type. Last evaluated: 2020-02-05. Review status: criteria provided, single submitter. Criteria: ACMG Guidelines, 2015. Collection method: research. Allele origin: unknown. Inheritance: Autosomal dominant inheritance. Affected: yes.
Comment: PM2, PP3, PP4, PP5

Molecular Biology Laboratory, Fundació Puigvert
Classification: Likely pathogenic for Polycystic kidney disease, adult type. Last evaluated: 2020-02-01. Review status: criteria provided, single submitter. Criteria: ACMG Guidelines, 2015. Collection method: research. Allele origin: germline. Affected: yes. Study: KidneyPanel_2020.

Athena Diagnostics
Classification: Uncertain significance. Last evaluated: 2019-11-06. Review status: criteria provided, single submitter. Criteria: Athena Diagnostics Criteria. Collection method: clinical testing. Allele origin: unknown.

ARUP Laboratories, Molecular Genetics and Genomics, ARUP Laboratories
Classification: Likely pathogenic for Polycystic kidney disease, adult type. Last evaluated: 2018-11-17. Review status: criteria provided, single submitter. Criteria: ARUP Molecular Germline Variant Investigation Process. Collection method: clinical testing. Allele origin: germline.
Comment: The PKD1 c.1831C>T; p.Arg611Trp variant is reported in the literature in multiple individuals affected with autosomal dominant polycystic kidney disease (Audrezet 2012, Cornec Le-Gall 2013, Garcia-Gonzalez 2007). This variant is reported as likely pathogenic in ClinVar (Variation ID: 433949) and the Mayo ADPKD variant database, and is absent from general population databases (1000 Genomes Project, Exome Variant Server, and Genome Aggregation Database), indicating it is not a common polymorphism. The arginine at codon 611 is highly conserved, and computational analyses (SIFT, PolyPhen-2) predict that this variant is deleterious. Based on its occurrence in multiple individuals clinically diagnosed with autosomal dominant polycystic kidney disease, the p.Arg611Trp variant is considered to be likely pathogenic. References: Link to Mayo ADPKD variant database: Audrezet M et al. Autosomal dominant polycystic kidney disease: comprehensive mutation analysis of PKD1 and PKD2 in 700 unrelated patients. Hum Mutat. 2012; 33(8):1239-50. Cornec-Le Gall E et al. Type of PKD1 mutation influences renal outcome in ADPKD. J Am Soc Nephrol. 2013; 24(6):1006-13. Garcia-Gonzalez M et al. Evaluating the clinical utility of a molecular genetic test for polycystic kidney disease. Mol Genet Metab. 2007; 92(1-2):160-7.

Department of Pathology and Laboratory Medicine, Sinai Health System
Classification: Likely pathogenic for Polycystic Kidney disease. Review status: no assertion criteria provided. Collection method: clinical testing. Allele origin: unknown. Affected: yes. Observed: 2 variant alleles. Study: The Canadian Open Genetics Repository (COGR). Not counted in ClinVar's aggregate classification.
Comment: The PKD1 .Arg611Trp variant was identified in 4 of 1564 proband chromosomes (frequency: 0.003) from individuals or families with Autosomal Dominant Polycystic Kidney Disease based on standard ultrasound criteria (AudrâˆšÂ©zet 2012, Garcia-Gonzalez 2007). The variant was also identified in the ADPKD Mutation Database (as â€šÃ„Ãºlikely pathogenicâ€šÃ„Ã¹). The variant was not found in dbSNP, the Exome Aggregation Consortium database (March 14 2016), Clinvitae, ClinVar, GeneInsight COGR, MutDB, PKD1-LOVD, and PKD1-LOVD 3.0 databases. The p.Arg611 residue is conserved across mammals and other organisms, and computational analyses (PolyPhen-2, SIFT, AlignGVGD, BLOSUM, MutationTaster) suggest that the variant may impact the protein; however, this information is not predictive enough to assume pathogenicity. The variant occurs outside of the splicing consensus sequence and in silico or computational prediction software programs (SpliceSiteFinder, MaxEntScan, NNSPLICE, GeneSplicer, HumanSpliceFinder) do not predict a difference in splicing. In summary, based on the above information, the clinical significance of this variant cannot be determined with certainty at this time although we would lean towards a more pathogenic role for this variant. This variant is classified as likely pathogenic.

Literature cited by the submitters: PubMed 36833371 (cited by Victorian Clinical Genetics Services, Murdoch Childrens Research Institute and Ambry Genetics); PubMed 25333066 (cited by Victorian Clinical Genetics Services, Murdoch Childrens Research Institute); PubMed 22508176 (cited by 3 submitters); PubMed 17574468 (cited by 3 submitters); PubMed 23431072 (cited by Women's Health and Genetics/Laboratory Corporation of America, LabCorp and Athena Diagnostics); PubMed 33454723 (cited by Women's Health and Genetics/Laboratory Corporation of America, LabCorp and Ambry Genetics); PubMed 30816285 (cited by Women's Health and Genetics/Laboratory Corporation of America, LabCorp); PubMed 32398770 (cited by Ambry Genetics); PubMed 33532864 (cited by Ambry Genetics and Molecular Biology Laboratory, Fundació Puigvert).